The following is an entry in ClinVar:

NM_016441.3(CRIM1):c.1658+4C>T

Gene: CRIM1 (cysteine rich transmembrane BMP regulator 1). Cytogenetic location: 2p22.2.
Variant type: single nucleotide variant.
Coding change: c.1658+4C>T on transcript NM_016441.3 (MANE Select); 4 bases into the intron after coding-DNA position 1658, C replaced by T.
Molecular consequence: intron variant.
Genome position (GRCh38, 1-based): chr2:36,510,143, C>T. VCF-style: chr2-36510143-C-T. GRCh37 (hg19) VCF-style: chr2-36737286-C-T.
Identifiers: ClinVar variation 4977651 (VCV004977651.1).

ClinVar aggregate classification (germline): Likely benign (1 of 4 stars; one submission).

Conditions:
CRIM1-related disorder. Also called: CRIM1-related condition.

gnomAD v4.1: 461 of 1,608,506 alleles (0.029%); highest among the groups gnomAD compares: Non-Finnish European, 0.036%; no homozygotes.

Submission:

PreventionGenetics, part of Exact Sciences
Classification: Likely benign for CRIM1-related condition. Last evaluated: 2024-10-18. Review status: criteria provided, single submitter. Criteria: ACMG Guidelines, 2015. Collection method: clinical testing. Allele origin: germline.
Comment: This variant is classified as likely benign based on ACMG/AMP sequence variant interpretation guidelines (Richards et al. 2015 PMID: 25741868, with internal and published modifications).